The following is an entry in ClinVar:

ClinVar aggregate classification (germline): Uncertain significance. Review status: criteria provided, single submitter (1 of 4 stars). 2 submissions from 2 submitters: Uncertain significance (1). 1 of the submissions does not count toward it. Last evaluated 2024-01-16.

Conditions:
PLXNA2-related disorder. Also called: PLXNA2-related condition.

Allele frequency attached by ClinVar (database versions not stated): gnomAD 0.00001.
gnomAD v4.1: 37 of 1,614,050 alleles (0.0023%); highest among the groups gnomAD compares: Non-Finnish European, 0.0031%; no homozygotes.

Submissions (2):

Ambry Genetics
Classification: Uncertain significance. Last evaluated: 2024-01-16. Review status: criteria provided, single submitter. Criteria: Ambry Variant Classification Scheme 2023. Collection method: clinical testing. Allele origin: germline.

PreventionGenetics, part of Exact Sciences
Classification: Uncertain significance for PLXNA2-related condition. Last evaluated: 2024-01-03. Review status: no assertion criteria provided. Collection method: clinical testing. Allele origin: germline. Not counted in ClinVar's aggregate classification.
Comment: The PLXNA2 c.1108C>T variant is predicted to result in the amino acid substitution p.Arg370Cys. To our knowledge, this variant has not been reported in the literature or in a large population database, indicating this variant is rare. At this time, the clinical significance of this variant is uncertain due to the absence of conclusive functional and genetic evidence.

NM_025179.4(PLXNA2):c.1108C>T (p.Arg370Cys)

Gene: PLXNA2 (plexin A2; minus strand). Cytogenetic location: 1q32.2.
Variant type: single nucleotide variant.
Coding change: c.1108C>T on transcript NM_025179.4 (MANE Select); coding-DNA position 1108, C replaced by T.
Protein change: p.Arg370Cys; replaces arginine 370 with cysteine.
Molecular consequence: missense variant.
Genome position (GRCh38, 1-based): chr1:208,216,815, G>A on the plus strand (C>T on the coding strand, the complement: PLXNA2 is on the minus strand). VCF-style: chr1-208216815-G-A. GRCh37 (hg19) VCF-style: chr1-208390160-G-A.
Other names: short protein forms R370C.
Identifiers: ClinVar variation 3215534 (VCV003215534.2), dbSNP rs1671144150, ClinGen allele CA344557577.
Genomic context (GRCh38, chr1:208,216,815, plus strand): 5'-CCTTCCCCAGCAGCCAGTTGAGCTCCAGGTTGCCCTCGCCCTGGTAGCAGGACTGCAGGC[G>A]CTCCTTGATCTGCAAGTTGATGGCCCGGATAGGGAAGGCACACAGGGCAGAGTCATCGGG-3'
Protein context (NP_079455.3, residues 360-380): IRAINLQIKE[Arg370Cys]LQSCYQGEGN